The following is an entry in ClinVar:

NM_033100.4(CDHR1):c.348+10C>T

Gene: CDHR1 (cadherin related family member 1; plus strand). Cytogenetic location: 10q23.1.
Variant type: single nucleotide variant.
Coding change: c.348+10C>T on transcript NM_033100.4 (MANE Select); 10 bases into the intron after coding-DNA position 348, C replaced by T.
Molecular consequence: intron variant.
Genome position (GRCh38, 1-based): chr10:84,197,846, C>T. VCF-style: chr10-84197846-C-T. GRCh37 (hg19) VCF-style: chr10-85957602-C-T.
Other names: c.348+10C>T (NM_033100.3, NM_001171971.3).
Identifiers: ClinVar variation 1078431 (VCV001078431.13), dbSNP rs756554786, ClinGen allele CA5579514.

ClinVar aggregate classification (germline): Likely benign. Review status: criteria provided, multiple submitters, no conflicts (2 of 4 stars). 3 submissions from 3 submitters: Likely benign (2). 1 of the submissions does not count toward it. Last evaluated 2023-09-12.

Conditions:
CDHR1-related disorder. Also called: CDHR1-related condition.

Allele frequency attached by ClinVar (database versions not stated): TOPMed 0.00004; ExAC 0.00007; gnomAD exomes 0.00007.
gnomAD v4.1: 67 of 1,612,410 alleles (0.0042%); highest among the groups gnomAD compares: South Asian, 0.025%; 1 homozygote.

Submissions (3):

Blueprint Genetics
Classification: Likely benign. Last evaluated: 2023-09-12. Review status: criteria provided, single submitter. Criteria: ACMG Guidelines, 2015. Collection method: clinical testing. Allele origin: germline.

Labcorp Genetics (formerly Invitae), Labcorp
Classification: Likely benign. Last evaluated: 2023-01-10. Review status: criteria provided, single submitter. Criteria: Invitae Variant Classification Sherloc (09022015). Collection method: clinical testing. Allele origin: germline.

PreventionGenetics, part of Exact Sciences
Classification: Likely benign for CDHR1-related condition. Last evaluated: 2019-11-16. Review status: no assertion criteria provided. Collection method: clinical testing. Allele origin: germline. Not counted in ClinVar's aggregate classification.
Comment: This variant is classified as likely benign based on ACMG/AMP sequence variant interpretation guidelines (Richards et al. 2015 PMID: 25741868, with internal and published modifications).